The following is an entry in ClinVar:

ClinVar aggregate classification (germline): Likely pathogenic. Review status: criteria provided, multiple submitters, no conflicts (2 of 4 stars). 2 submissions from 2 submitters: Likely pathogenic (2). Last evaluated 2021-05-27.

Conditions:
Hereditary cancer-predisposing syndrome. Also called: Neoplastic Syndromes, Hereditary; Tumor predisposition; Hereditary Cancer Syndrome; Hereditary neoplastic syndrome. Identifiers: Orphanet 140162, MedGen C0027672, MeSH D009386, MONDO:0015356.

Submissions (2):

Ambry Genetics
Classification: Likely pathogenic for Hereditary cancer-predisposing syndrome. Last evaluated: 2021-05-27. Review status: criteria provided, single submitter. Criteria: Ambry Variant Classification Scheme 2023. Collection method: clinical testing. Allele origin: germline.
Comment: The c.2988_3000+893del906 variant results from a deletion of 906 nucleotides between positions c.2988 and c.3000+893 and involves the canonical splice donor site after coding exon 21 of the MSH3 gene. The canonical splice donor site is highly conserved in available vertebrate species. In silico splice site analysis predicts that this alteration will weaken the native splice donor site. Alterations that disrupt the canonical splice site are expected to cause aberrant splicing, resulting in an abnormal protein or a transcript that is subject to nonsense-mediated mRNA decay. As such, this alteration is classified as likely pathogenic.

Labcorp Genetics (formerly Invitae), Labcorp
Classification: Likely pathogenic. Last evaluated: 2019-11-29. Review status: criteria provided, single submitter. Criteria: Invitae Variant Classification Sherloc (09022015). Collection method: clinical testing. Allele origin: germline.
Comment: This variant is a deletion of the genomic region encompassing part of exon 21 (c.2988_3000+893del) of the MSH3 gene. It is expected to disrupt RNA splicing and likely results in an absent or disrupted protein product. This variant has not been reported in the literature in individuals with MSH3-related disease. ClinVar contains an entry for this variant (Variation ID: 649125). Loss-of-function variants in MSH3 are known to be pathogenic (PMID: 27476653). In summary, the currently available evidence indicates that the variant is pathogenic, but additional data are needed to prove that conclusively. Therefore, this variant has been classified as Likely Pathogenic.

NM_002439.5(MSH3):c.2988_3000+893del

Gene: MSH3 (mutS homolog 3; plus strand). Cytogenetic location: 5q14.1.
Variant type: Deletion.
Coding change: c.2988_3000+893del on transcript NM_002439.5 (MANE Select); coding-DNA position 2988 through 893 bases into the intron after coding-DNA position 3000, 906 bases deleted.
Molecular consequence: splice donor variant.
Genome position (GRCh38, 1-based): chr5:80,854,304-80,855,209, 906 bases deleted. GRCh37 (hg19): chr5:80,150,123-80,151,028.
Identifiers: ClinVar variation 649125 (VCV000649125.4), dbSNP rs1580091639, ClinGen allele CA915943376.